The following is an entry in ClinVar:

ClinVar aggregate classification (germline): Uncertain significance. Review status: criteria provided, multiple submitters, no conflicts (2 of 4 stars). 2 submissions from 2 submitters: Uncertain significance (2). Last evaluated 2024-10-18.

Conditions:
Familial adenomatous polyposis 1 (FAP1). Also called: FAMILIAL ADENOMATOUS POLYPOSIS 1, ATTENUATED; POLYPOSIS, ADENOMATOUS INTESTINAL. Identifiers: MedGen C2713442, MONDO:0021056, OMIM 175100. Disease mechanism: loss of function.
Hereditary cancer-predisposing syndrome. Also called: Neoplastic Syndromes, Hereditary; Tumor predisposition; Hereditary Cancer Syndrome; Hereditary neoplastic syndrome. Identifiers: Orphanet 140162, MedGen C0027672, MeSH D009386, MONDO:0015356.

Submissions (2):

Ambry Genetics
Classification: Uncertain significance for Hereditary cancer-predisposing syndrome. Last evaluated: 2024-10-18. Review status: criteria provided, single submitter. Criteria: Ambry Variant Classification Scheme 2023. Collection method: clinical testing. Allele origin: germline.
Comment: The p.C1578Y variant (also known as c.4733G>A), located in coding exon 15 of the APC gene, results from a G to A substitution at nucleotide position 4733. The cysteine at codon 1578 is replaced by tyrosine, an amino acid with highly dissimilar properties. Another variant at the same codon, p.C1578G (c.4732T>G), has been detected in individuals with colorectal polyposis (Ambry internal data). This amino acid position is highly conserved in available vertebrate species. In addition, in silico predictors for this gene do not accurately predict pathogenicity. Based on the available evidence, the clinical significance of this variant remains unclear.

Labcorp Genetics (formerly Invitae), Labcorp
Classification: Uncertain significance for Familial adenomatous polyposis 1. Last evaluated: 2024-09-17. Review status: criteria provided, single submitter. Criteria: Invitae Variant Classification Sherloc (09022015). Collection method: clinical testing. Allele origin: germline.
Comment: This sequence change replaces cysteine, which is neutral and slightly polar, with tyrosine, which is neutral and polar, at codon 1578 of the APC protein (p.Cys1578Tyr). This variant is not present in population databases (gnomAD no frequency). This variant has not been reported in the literature in individuals affected with APC-related conditions. Invitae Evidence Modeling of protein sequence and biophysical properties (such as structural, functional, and spatial information, amino acid conservation, physicochemical variation, residue mobility, and thermodynamic stability) has been performed for this missense variant. However, the output from this modeling did not meet the statistical confidence thresholds required to predict the impact of this variant on APC protein function. This variant disrupts the p.Cys1578 amino acid residue in APC. Other variant(s) that disrupt this residue have been determined to be pathogenic (PMID: 18199528; internal data). This suggests that this residue is clinically significant, and that variants that disrupt this residue are likely to be disease-causing. In summary, the available evidence is currently insufficient to determine the role of this variant in disease. Therefore, it has been classified as a Variant of Uncertain Significance.

Literature cited by the submitters: PubMed 18199528 (cited by Labcorp Genetics (formerly Invitae), Labcorp).

NM_000038.6(APC):c.4733G>A (p.Cys1578Tyr)

Gene: APC (APC regulator of Wnt signaling pathway; plus strand). Cytogenetic location: 5q22.2.
Variant type: single nucleotide variant.
Coding change: c.4733G>A on transcript NM_000038.6 (MANE Select); coding-DNA position 4733, G replaced by A.
Protein change: p.Cys1578Tyr; replaces cysteine 1578 with tyrosine.
Molecular consequence: missense variant. On other transcripts: non-coding transcript variant (2).
Genome position (GRCh38, 1-based): chr5:112,840,327, G>A. VCF-style: chr5-112840327-G-A. GRCh37 (hg19) VCF-style: chr5-112176024-G-A.
Other names: c.4733G>A, p.Cys1578Tyr (NM_001127510.3, NM_001354895.2, NM_001407450.1); c.4679G>A, p.Cys1560Tyr (NM_001127511.3); c.4787G>A, p.Cys1596Tyr (NM_001354896.2, NM_001407447.1, NM_001407448.1 and 1 more transcripts); c.4763G>A, p.Cys1588Tyr (NM_001354897.2); c.4658G>A, p.Cys1553Tyr (NM_001354898.2); c.4649G>A, p.Cys1550Tyr (NM_001354899.2); c.4610G>A, p.Cys1537Tyr (NM_001354900.2); c.4556G>A, p.Cys1519Tyr (NM_001354901.2, NM_001407453.1); and 11 more; short protein forms C1537Y, C1560Y, C1568Y, C1194Y, C1295Y, C1449Y, C1452Y, C1477Y.
Identifiers: ClinVar variation 3411544 (VCV003411544.3).
Genomic context (GRCh38, chr5:112,840,327, plus strand): 5'-ATTCTGAAAAGGACCTATTAGATGATTCAGATGATGATGATATTGAAATACTAGAAGAAT[G>A]TATTATTTCTGCCATGCCAACAAAGTCATCACGTAAAGCAAAAAAGCCAGCCCAGACTGC-3'
Protein context (NP_000029.2, residues 1568-1588): DDDDIEILEE[Cys1578Tyr]IISAMPTKSS